The following is an entry in ClinVar:

NM_024548.4(CEP97):c.787C>A (p.His263Asn)

Gene: CEP97 (centrosomal protein 97; plus strand). Cytogenetic location: 3q12.3.
Variant type: single nucleotide variant.
Coding change: c.787C>A on transcript NM_024548.4 (MANE Select); coding-DNA position 787, C replaced by A.
Protein change: p.His263Asn; replaces histidine 263 with asparagine.
Molecular consequence: missense variant.
Genome position (GRCh38, 1-based): chr3:101,755,488, C>A. VCF-style: chr3-101755488-C-A. GRCh37 (hg19) VCF-style: chr3-101474332-C-A.
Other names: c.787C>A, p.His263Asn (NM_001303401.2); c.685C>A, p.His229Asn (NM_001410784.1, NM_001410785.1); short protein forms H229N, H263N.
Identifiers: ClinVar variation 2978496 (VCV002978496.3), dbSNP rs1032775606, ClinGen allele CA79767577.

ClinVar aggregate classification (germline): Uncertain significance (1 of 4 stars; one submission).

Allele frequency attached by ClinVar (database versions not stated): gnomAD exomes below 0.00001; TOPMed below 0.00001; gnomAD 0.00001.
gnomAD v4.1: 8 of 1,613,978 alleles (0.0005%); highest among the groups gnomAD compares: Non-Finnish European, 0.00059%; no homozygotes.

Submission:

Labcorp Genetics (formerly Invitae), Labcorp
Classification: Uncertain significance. Last evaluated: 2024-01-03. Review status: criteria provided, single submitter. Criteria: Invitae Variant Classification Sherloc (09022015). Collection method: clinical testing. Allele origin: germline.
Comment: This sequence change replaces histidine, which is basic and polar, with asparagine, which is neutral and polar, at codon 263 of the CEP97 protein (p.His263Asn). This variant is present in population databases (no rsID available, gnomAD 0.0009%). This variant has not been reported in the literature in individuals affected with CEP97-related conditions. Advanced modeling of protein sequence and biophysical properties (such as structural, functional, and spatial information, amino acid conservation, physicochemical variation, residue mobility, and thermodynamic stability) performed at Invitae indicates that this missense variant is expected to disrupt CEP97 protein function with a positive predictive value of 80%. In summary, the available evidence is currently insufficient to determine the role of this variant in disease. Therefore, it has been classified as a Variant of Uncertain Significance.